The following is an entry in ClinVar:

NM_015557.3(CHD5):c.406C>A (p.Gln136Lys)

Gene: CHD5 (chromodomain helicase DNA binding protein 5; minus strand). Cytogenetic location: 1p36.31.
Variant type: single nucleotide variant.
Coding change: c.406C>A on transcript NM_015557.3 (MANE Select); coding-DNA position 406, C replaced by A.
Protein change: p.Gln136Lys; replaces glutamine 136 with lysine.
Molecular consequence: missense variant.
Genome position (GRCh38, 1-based): chr1:6,155,699, G>T on the plus strand (C>A on the coding strand, the complement: CHD5 is on the minus strand). VCF-style: chr1-6155699-G-T. GRCh37 (hg19) VCF-style: chr1-6215759-G-T.
Other names: short protein forms Q136K.
Identifiers: ClinVar variation 4881670 (VCV004881670.2).

ClinVar aggregate classification (germline): Uncertain significance (1 of 4 stars; one submission).

Conditions:
Parenti-mignot neurodevelopmental syndrome. Identifiers: MedGen C5676984, MONDO:0859249, OMIM 619873.

Submission:

Dasa
Classification: Uncertain significance for Parenti-mignot neurodevelopmental syndrome. Last evaluated: 2024-10-12. Review status: criteria provided, single submitter. Criteria: DASA Assertion Criteria. Collection method: clinical testing. Allele origin: germline.
Comment: NM_015557.3(CHD5):c.406C>A (p.Gln136Lys) is a missense variant that results in the substitution of glutamine with lysine. This variant is absent from population databases. The currently available literature and clinical evidence are not sufficient to establish a definitive association between this variant and the reported condition. Therefore, this variant is classified as a variant of uncertain significance.